The following is an entry in ClinVar:

NM_001164508.2(NEB):c.24207+12_24207+16dup

Genes: NEB (nebulin; minus strand), RIF1 (replication timing regulatory factor 1; plus strand). Cytogenetic location: 2q23.3.
Variant type: Duplication.
Coding change: c.24207+12_24207+16dup on transcript NM_001164508.2 (MANE Select); bases 12 to 16 of the intron after coding-DNA position 24207, 5 bases duplicated (AGAAA; older notation c.24207+12_24207+16dupAGAAA).
Molecular consequence: intron variant.
Genome position (GRCh38, 1-based): chr2:151,498,244-151,498,248, TTTCT duplicated on the plus strand (AGAAA on the coding strand, the reverse complement: NEB is on the minus strand); duplicating any 5 consecutive bases within chr2:151,498,244-151,498,250 gives the same sequence; the c. name uses the placement nearest the transcript's 3' end. VCF-style (leftmost placement, unchanged base first): chr2-151498243-C-CTTTCT. GRCh37 (hg19) VCF-style: chr2-152354757-C-CTTTCT.
Other names: c.18826-1880_18826-1876dup (NM_004543.5); c.24207+12_24207+16dup (NM_001164507.2); c.24312+12_24312+16dup (NM_001271208.2).
Identifiers: ClinVar variation 1424118 (VCV001424118.6), dbSNP rs1559228786, ClinGen allele CA537029900.
Genomic context (GRCh38, chr2:151,498,243, plus strand): 5'-AACAAAAATAAATAAATGTAAAGATCAGTTTAATTCTGAAGTTAAGTGGCATTTTTTCCC[C>CTTTCT]TTTCTTTCCAAAATACCGAGCTAAGGTTTTCTTGATTGTGTTTGACTCTCTGCATCTCAG-3'

ClinVar aggregate classification (germline): Uncertain significance (1 of 4 stars; one submission).

Conditions:
Nemaline myopathy 2 (NEM2). Also called: Nemaline myopathy 2, autosomal recessive. Identifiers: MedGen C1850569, MONDO:0009725, OMIM 256030.

Submission:

Labcorp Genetics (formerly Invitae), Labcorp
Classification: Uncertain significance for Nemaline myopathy 2. Last evaluated: 2022-06-27. Review status: criteria provided, single submitter. Criteria: Invitae Variant Classification Sherloc (09022015). Collection method: clinical testing. Allele origin: germline.
Comment: Experimental studies and prediction algorithms are not available or were not evaluated, and the effect of this variant on mRNA splicing is currently unknown. This variant has not been reported in the literature in individuals affected with NEB-related conditions. This variant is present in population databases (no rsID available, gnomAD 0.01%). This sequence change falls in intron 171 of the NEB gene. It does not directly change the encoded amino acid sequence of the NEB protein. In summary, the available evidence is currently insufficient to determine the role of this variant in disease. Therefore, it has been classified as a Variant of Uncertain Significance.